The following is an entry in ClinVar:

NM_002334.4(LRP4):c.570C>T (p.Pro190=)

Gene: LRP4 (LDL receptor related protein 4; minus strand). Cytogenetic location: 11p11.2.
Variant type: single nucleotide variant.
Coding change: c.570C>T on transcript NM_002334.4 (MANE Select); coding-DNA position 570, C replaced by T.
Protein change: p.Pro190=; no amino-acid change (proline 190 retained).
Molecular consequence: synonymous variant.
Genome position (GRCh38, 1-based): chr11:46,899,010, G>A on the plus strand (C>T on the coding strand, the complement: LRP4 is on the minus strand). VCF-style: chr11-46899010-G-A. GRCh37 (hg19) VCF-style: chr11-46920561-G-A.
Identifiers: ClinVar variation 497270 (VCV000497270.18), dbSNP rs147353838, ClinGen allele CA5970445.

ClinVar aggregate classification (germline): Conflicting classifications of pathogenicity. Review status: criteria provided, conflicting classifications (1 of 4 stars). 4 submissions from 4 submitters: Uncertain significance (1); Benign (1); Likely benign (1). 1 of the submissions does not count toward it. Last evaluated 2025-10-13.

Conditions:
Cenani-Lenz syndactyly syndrome. Also called: CENANI SYNDACTYLISM; SYNDACTYLY, TYPE VII. Identifiers: Orphanet 3258, MedGen C1859309, MONDO:0008931, OMIM 212780.
Sclerosteosis 2 (SOST2). Identifiers: Orphanet 3152, MedGen C3280402, MONDO:0013679, OMIM 614305.
Congenital myasthenic syndrome 17. Identifiers: Orphanet 590, MedGen C4225377, MONDO:0014578, OMIM 616304.
LRP4-related disorder. Also called: LRP4-related condition.

Allele frequency attached by ClinVar (database versions not stated): gnomAD exomes 0.00026 and 0.00027; ExAC 0.00033; ESP Exome Variant Server 0.00054; gnomAD 0.00057 and 0.00061; TOPMed 0.00073; 1000 Genomes Project 30x 0.00094; 1000 Genomes Project 0.00100.
gnomAD v4.1: 482 of 1,613,050 alleles (0.03%); highest among the groups gnomAD compares: African/African-American, 0.21%; no homozygotes.

Submissions (4):

Labcorp Genetics (formerly Invitae), Labcorp
Classification: Benign for Cenani-Lenz syndactyly syndrome; Sclerosteosis 2; Congenital myasthenic syndrome 17. Last evaluated: 2025-10-13. Review status: criteria provided, single submitter. Criteria: Invitae Variant Classification Sherloc (09022015). Collection method: clinical testing. Allele origin: germline.

Blueprint Genetics
Classification: Likely benign. Last evaluated: 2024-10-22. Review status: criteria provided, single submitter. Criteria: ACMG Guidelines, 2015. Collection method: clinical testing. Allele origin: germline.

Eurofins Ntd Llc (ga)
Classification: Uncertain significance. Last evaluated: 2016-09-29. Review status: criteria provided, single submitter. Criteria: EGL Classification Definitions 2015. Collection method: clinical testing. Allele origin: germline. Observed: 1 variant allele, 1 heterozygote.

PreventionGenetics, part of Exact Sciences
Classification: Likely benign for LRP4-related condition. Last evaluated: 2019-10-16. Review status: no assertion criteria provided. Collection method: clinical testing. Allele origin: germline. Not counted in ClinVar's aggregate classification.
Comment: This variant is classified as likely benign based on ACMG/AMP sequence variant interpretation guidelines (Richards et al. 2015 PMID: 25741868, with internal and published modifications).